The following is an entry in ClinVar:

NM_000455.5(STK11):c.-4C>T

Gene: STK11 (serine/threonine kinase 11; plus strand). Cytogenetic location: 19p13.3.
Variant type: single nucleotide variant.
Coding change: c.-4C>T on transcript NM_000455.5 (MANE Select); 4 bases upstream of the start codon, C replaced by T.
Molecular consequence: 5 prime UTR variant.
Genome position (GRCh38, 1-based): chr19:1,206,910, C>T. VCF-style: chr19-1206910-C-T. GRCh37 (hg19) VCF-style: chr19-1206909-C-T.
Identifiers: ClinVar variation 627831 (VCV000627831.11), dbSNP rs1181075160, ClinGen allele CA631299724.
Genomic context (GRCh38, chr19:1,206,910, plus strand): 5'-AAGGAAGGACCGCTCACCCGCGGACTCAGGGCTGGCGGCGGGACTCCAGGACCCTGGGTC[C>T]AGCATGGAGGTGGTGGACCCGCAGCAGCTGGGCATGTTCACGGAGGGCGAGCTGATGTCG-3'

ClinVar aggregate classification (germline): Uncertain significance. Review status: criteria provided, multiple submitters, no conflicts (2 of 4 stars). 4 submissions from 4 submitters: Uncertain significance (4). Last evaluated 2025-12-19.

Conditions:
Peutz-Jeghers syndrome (PJS). Also called: Peutz-Jeghers polyposis; Periorificial lentiginosis syndrome; POLYPOSIS, HAMARTOMATOUS INTESTINAL; POLYPS-AND-SPOTS SYNDROME. Identifiers: Orphanet 2869, MedGen C0031269, MeSH D010580, MONDO:0008280, OMIM 175200.
Hereditary cancer-predisposing syndrome. Also called: Neoplastic Syndromes, Hereditary; Hereditary neoplastic syndrome; Tumor predisposition; Hereditary Cancer Syndrome. Identifiers: Orphanet 140162, MedGen C0027672, MeSH D009386, MONDO:0015356.

Allele frequency attached by ClinVar (database versions not stated): gnomAD exomes below 0.00001 and 0.00001; gnomAD 0.00001; TOPMed 0.00001.
gnomAD v4.1: 6 of 1,571,294 alleles (0.00038%); highest among the groups gnomAD compares: African/African-American, 0.0041%; no homozygotes.

Submissions (4):

Ambry Genetics
Classification: Uncertain significance for Hereditary cancer-predisposing syndrome. Last evaluated: 2025-12-19. Review status: criteria provided, single submitter. Criteria: Ambry Variant Classification Scheme 2023. Collection method: clinical testing. Allele origin: germline.
Comment: The c.-4C>T variant is located in the 5' untranslated region (5&rsquo; UTR) of the STK11 gene. This variant results from a C to T substitution 4 bases upstream from the first translated codon. Based on nucleotide sequence alignment, this position is well conserved in available vertebrate species. Since supporting evidence is limited at this time, the clinical significance of this alteration remains unclear.

Color Diagnostics, LLC DBA Color Health
Classification: Uncertain significance for Hereditary cancer-predisposing syndrome. Last evaluated: 2025-07-18. Review status: criteria provided, single submitter. Criteria: ACMG Guidelines, 2015. Collection method: clinical testing. Allele origin: germline.
Comment: This variant is located in the 5' untranslated region of the STK11 gene. To our knowledge, functional studies have not been reported for this variant. This variant has not been reported in individuals affected with STK11-related disorders in the literature. This variant has been identified in 2/183288 chromosomes in the general population by the Genome Aggregation Database (gnomAD). The available evidence is insufficient to determine the role of this variant in disease conclusively. Therefore, this variant is classified as a Variant of Uncertain Significance.

Genome-Nilou Lab
Classification: Uncertain significance for Peutz-Jeghers syndrome. Last evaluated: 2021-07-15. Review status: criteria provided, single submitter. Criteria: ACMG Guidelines, 2015. Collection method: clinical testing. Allele origin: germline. Affected: no.

Mendelics
Classification: Uncertain significance for Peutz-Jeghers syndrome. Last evaluated: 2019-05-28. Review status: criteria provided, single submitter. Criteria: Mendelics Assertion Criteria 2017. Collection method: clinical testing. Allele origin: unknown.